The following is an entry in ClinVar:

NM_000400.4(ERCC2):c.579C>T (p.Phe193=)

Gene: ERCC2 (ERCC excision repair 2, TFIIH core complex helicase subunit; minus strand). Cytogenetic location: 19q13.32.
Variant type: single nucleotide variant.
Coding change: c.579C>T on transcript NM_000400.4 (MANE Select); coding-DNA position 579, C replaced by T.
Protein change: p.Phe193=; no amino-acid change (phenylalanine 193 retained).
Molecular consequence: synonymous variant.
Genome position (GRCh38, 1-based): chr19:45,364,853, G>A on the plus strand (C>T on the coding strand, the complement: ERCC2 is on the minus strand). VCF-style: chr19-45364853-G-A. GRCh37 (hg19) VCF-style: chr19-45868111-G-A.
Other names: c.507C>T, p.Phe169= (NM_001130867.2).
Identifiers: ClinVar variation 1749704 (VCV001749704.24), dbSNP rs1054890454, ClinGen allele CA507822071.
Genomic context (GRCh38, chr19:45,364,853, plus strand): 5'-ACACCCTCACACTCGCCCCTCTGCCCATCCCACCAGCCTCCTCACTGAGTATCGAGCAAG[G>A]AAGTATGGGCACCAGCCCTGGCGCCGCCCCAGGGCCTTCAGGTCATCCAGGTTGTAGATG-3'
Protein context (NP_000391.1, residues 183-203): LGRRQGWCPY[Phe193=]LARYSILHAN

ClinVar aggregate classification (germline): Likely benign. Review status: criteria provided, multiple submitters, no conflicts (2 of 4 stars). 3 submissions from 3 submitters: Likely benign (3). Last evaluated 2024-05-01.

Conditions:
Inborn genetic diseases. Identifiers: MedGen C0950123, MeSH D030342.

Allele frequency attached by ClinVar (database versions not stated): gnomAD exomes below 0.00001; TOPMed below 0.00001.
gnomAD v4.1: 7 of 1,613,352 alleles (0.00043%); highest among the groups gnomAD compares: South Asian, 0.0055%; no homozygotes.

Submissions (3):

CeGaT Center for Human Genetics Tuebingen
Classification: Likely benign. Last evaluated: 2024-05-01. Review status: criteria provided, single submitter. Criteria: CeGaT Center For Human Genetics Tuebingen Variant Classification Criteria Version 2. Collection method: clinical testing. Allele origin: germline. Affected: yes. Observed: 1 variant allele.
Comment: ERCC2: BP4, BP7

Labcorp Genetics (formerly Invitae), Labcorp
Classification: Likely benign. Last evaluated: 2023-06-20. Review status: criteria provided, single submitter. Criteria: Invitae Variant Classification Sherloc (09022015). Collection method: clinical testing. Allele origin: germline.

Ambry Genetics
Classification: Likely benign for Inborn genetic diseases. Last evaluated: 2021-06-15. Review status: criteria provided, single submitter. Criteria: Ambry Variant Classification Scheme 2023. Collection method: clinical testing. Allele origin: germline.